The following is an entry in ClinVar:

NM_000059.4(BRCA2):c.3926T>G (p.Ile1309Ser)

Gene: BRCA2 (BRCA2 DNA repair associated; plus strand). Cytogenetic location: 13q13.1.
Variant type: single nucleotide variant.
Coding change: c.3926T>G on transcript NM_000059.4 (MANE Select); coding-DNA position 3926, T replaced by G.
Protein change: p.Ile1309Ser; replaces isoleucine 1309 with serine.
Molecular consequence: missense variant.
Genome position (GRCh38, 1-based): chr13:32,338,281, T>G. VCF-style: chr13-32338281-T-G. GRCh37 (hg19) VCF-style: chr13-32912418-T-G.
Other names: short protein forms I1309S.
Identifiers: ClinVar variation 566846 (VCV000566846.11), dbSNP rs1566229403, ClinGen allele CA387778840.

ClinVar aggregate classification (germline): Conflicting classifications of pathogenicity. Review status: criteria provided, conflicting classifications (1 of 4 stars). 4 submissions from 4 submitters: Uncertain significance (2); Likely benign (2). Last evaluated 2025-11-10.

Conditions:
Hereditary cancer-predisposing syndrome. Also called: Neoplastic Syndromes, Hereditary; Tumor predisposition; Hereditary neoplastic syndrome; Hereditary Cancer Syndrome. Identifiers: Orphanet 140162, MedGen C0027672, MeSH D009386, MONDO:0015356.
Hereditary breast ovarian cancer syndrome. Also called: Hereditary breast and ovarian cancer syndrome (HBOC); Hereditary breast and ovarian cancer; Hereditary breast and/or ovarian cancer syndrome; Hereditary breast and ovarian cancer syndrome; Breast and ovarian cancer; BRCA1- and BRCA2-Associated Hereditary Breast and Ovarian Cancer. Identifiers: Orphanet 145, MedGen C0677776, MeSH D061325, MONDO:0003582. Disease mechanism: loss of function.

Allele frequency attached by ClinVar (database versions not stated): TOPMed below 0.00001.

Submissions (4):

Labcorp Genetics (formerly Invitae), Labcorp
Classification: Uncertain significance for Hereditary breast ovarian cancer syndrome. Last evaluated: 2025-11-10. Review status: criteria provided, single submitter. Criteria: Invitae Variant Classification Sherloc (09022015). Collection method: clinical testing. Allele origin: germline.
Comment: This sequence change replaces isoleucine, which is neutral and non-polar, with serine, which is neutral and polar, at codon 1309 of the BRCA2 protein (p.Ile1309Ser). This variant is not present in population databases (gnomAD no frequency). This variant has not been reported in the literature in individuals affected with BRCA2-related conditions. ClinVar contains an entry for this variant (Variation ID: 566846). Invitae Evidence Modeling of protein sequence and biophysical properties (such as structural, functional, and spatial information, amino acid conservation, physicochemical variation, residue mobility, and thermodynamic stability) indicates that this missense variant is not expected to disrupt BRCA2 protein function with a negative predictive value of 95%. In summary, the available evidence is currently insufficient to determine the role of this variant in disease. Therefore, it has been classified as a Variant of Uncertain Significance.

Color Diagnostics, LLC DBA Color Health
Classification: Uncertain significance for Hereditary cancer-predisposing syndrome. Last evaluated: 2025-08-20. Review status: criteria provided, single submitter. Criteria: ACMG Guidelines, 2015. Collection method: clinical testing. Allele origin: germline.
Comment: This missense variant replaces isoleucine with serine at codon 1309 of the BRCA2 protein. Computational prediction suggests that this variant may not impact protein structure and function. To our knowledge, functional studies have not been reported for this variant. This variant has been reported in a pancreatic cancer and a breast cancer case-control study where it has been detected in 1 unaffected individual and absent in 1005 pancreatic cancer cases and 7051 female breast cancer cases (PMID: 30287823, 32980694). This variant has not been identified in the general population by the Genome Aggregation Database (gnomAD). The available evidence is insufficient to determine the role of this variant in disease conclusively. Therefore, this variant is classified as a Variant of Uncertain Significance.

Ambry Genetics
Classification: Likely benign for Hereditary cancer-predisposing syndrome. Last evaluated: 2025-07-10. Review status: criteria provided, single submitter. Criteria: Ambry Variant Classification Scheme 2023. Collection method: clinical testing. Allele origin: germline.

University of Washington Department of Laboratory Medicine, University of Washington
Classification: Likely benign for Hereditary cancer-predisposing syndrome. Last evaluated: 2023-03-23. Review status: criteria provided, single submitter. Criteria: Dines et al. (Genet Med. 2020). Collection method: curation. Allele origin: germline.
Comment: Missense variant in a coldspot region where missense variants are very unlikely to be pathogenic (PMID:31911673).

BRCA2 exon 11 coldspot. Reclassification based on statistical prior probability.

Literature cited by the submitters: PubMed 30287823 (cited by Color Diagnostics, LLC DBA Color Health); PubMed 32980694 (cited by Color Diagnostics, LLC DBA Color Health).